The following is an entry in ClinVar:

NM_001365951.3(KIF1B):c.4297C>T (p.Pro1433Ser)

Gene: KIF1B (kinesin family member 1B; plus strand). Cytogenetic location: 1p36.22.
Variant type: single nucleotide variant.
Coding change: c.4297C>T on transcript NM_001365951.3 (MANE Select); coding-DNA position 4297, C replaced by T.
Protein change: p.Pro1433Ser; replaces proline 1433 with serine.
Molecular consequence: missense variant.
Genome position (GRCh38, 1-based): chr1:10,361,818, C>T. VCF-style: chr1-10361818-C-T. GRCh37 (hg19) VCF-style: chr1-10421876-C-T.
Other names: c.4297C>T, p.Pro1433Ser (NM_001365952.1); c.4159C>T, p.Pro1387Ser (NM_015074.3); short protein forms P1433S, P1387S.
Identifiers: ClinVar variation 2563663 (VCV002563663.2), dbSNP rs757899517, ClinGen allele CA17847812.
Genomic context (GRCh38, chr1:10,361,818, plus strand): 5'-GCCAAGATCTCACCACCACGCTCTCTGCGTAGCCTCTTTGGCAGCGGCTACTCAAAGTCA[C>T]CAGATTCGTAAGTTTTTCACACAAGTTAGCTTCCAGTGTGTTTGTTCAGTACAACAGAAT-3'
Protein context (NP_001352880.1, residues 1423-1443): SLFGSGYSKS[Pro1433Ser]DSNRVTGIYE

ClinVar aggregate classification (germline): Uncertain significance (1 of 4 stars; one submission).

gnomAD v4.1: 2 of 1,613,972 alleles (0.00012%); highest among the groups gnomAD compares: Non-Finnish European, 0.000085%; no homozygotes.

Submission:

Ambry Genetics
Classification: Uncertain significance. Last evaluated: 2023-06-10. Review status: criteria provided, single submitter. Criteria: Ambry Variant Classification Scheme 2023. Collection method: clinical testing. Allele origin: germline.
Comment: The p.P1387S variant (also known as c.4159C>T), located in coding exon 37 of the KIF1B gene, results from a C to T substitution at nucleotide position 4159. The proline at codon 1387 is replaced by serine, an amino acid with similar properties. This amino acid position is conserved. In addition, the in silico prediction for this alteration is inconclusive. Since supporting evidence is limited at this time, the clinical significance of this alteration remains unclear.